The following is an entry in ClinVar:

ClinVar aggregate classification (germline): Benign. Review status: criteria provided, multiple submitters, no conflicts (2 of 4 stars). 4 submissions from 4 submitters: Benign (4). Last evaluated 2025-09-02.

Conditions:
Congenital isolated adrenocorticotropic hormone deficiency. Also called: ACTH DEFICIENCY, ISOLATED; ACTH deficiency; Adrenocorticotropic hormone deficiency. Identifiers: Orphanet 199296, MedGen C0342388, MONDO:0008720, OMIM 201400, HP:0011748.

Allele frequency attached by ClinVar (database versions not stated): gnomAD 0.14224 and 0.14406; gnomAD exomes 0.14458; ExAC 0.21972.

Submissions (4):

Labcorp Genetics (formerly Invitae), Labcorp
Classification: Benign. Last evaluated: 2025-09-02. Review status: criteria provided, single submitter. Criteria: Invitae Variant Classification Sherloc (09022015). Collection method: clinical testing. Allele origin: germline.

Blueprint Genetics
Classification: Benign. Last evaluated: 2024-11-26. Review status: criteria provided, single submitter. Criteria: ACMG Guidelines, 2015. Collection method: clinical testing. Allele origin: germline.

Illumina Laboratory Services, Illumina
Classification: Benign for Congenital isolated adrenocorticotropic hormone deficiency. Last evaluated: 2018-01-12. Review status: criteria provided, single submitter. Criteria: ICSL Variant Classification Criteria 13 December 2019. Collection method: clinical testing. Allele origin: germline.
Comment: This variant was observed in the ICSL laboratory as part of a predisposition screen in an ostensibly healthy population. It had not been previously curated by ICSL or reported in the Human Gene Mutation Database (HGMD: prior to June 1st, 2018), and was therefore a candidate for classification through an automated scoring system. Utilizing variant allele frequency, disease prevalence and penetrance estimates, and inheritance mode, an automated score was calculated to assess if this variant is too frequent to cause the disease. Based on the score and internal cut-off values, a variant classified as benign is not then subjected to further curation. The score for this variant resulted in a classification of benign for this disease.

Breakthrough Genomics
Classification: Benign. Review status: criteria provided, single submitter. Criteria: ACMG Guidelines, 2015. Collection method: not provided. Allele origin: germline. Inheritance: Autosomal recessive inheritance. Affected: yes.

NM_005149.3(TBX19):c.603+11G>T

Gene: TBX19 (T-box transcription factor 19; plus strand). Cytogenetic location: 1q24.2.
Variant type: single nucleotide variant.
Coding change: c.603+11G>T on transcript NM_005149.3 (MANE Select); 11 bases into the intron after coding-DNA position 603, G replaced by T.
Molecular consequence: intron variant.
Genome position (GRCh38, 1-based): chr1:168,293,289, G>T. VCF-style: chr1-168293289-G-T. GRCh37 (hg19) VCF-style: chr1-168262527-G-T.
Identifiers: ClinVar variation 293472 (VCV000293472.16), dbSNP rs12096093, ClinGen allele CA1230545.